The following is an entry in ClinVar:

NM_001370298.3(FGD4):c.1286T>C (p.Leu429Ser)

Gene: FGD4 (FYVE, RhoGEF and PH domain containing 4; plus strand). Cytogenetic location: 12p11.21.
Variant type: single nucleotide variant.
Coding change: c.1286T>C on transcript NM_001370298.3 (MANE Select); coding-DNA position 1286, T replaced by C.
Protein change: p.Leu429Ser; replaces leucine 429 with serine.
Molecular consequence: missense variant. On other transcripts: 5 prime UTR variant (1).
Genome position (GRCh38, 1-based): chr12:32,602,199, T>C. VCF-style: chr12-32602199-T-C. GRCh37 (hg19) VCF-style: chr12-32755133-T-C.
Other names: c.1130T>C, p.Leu377Ser (NM_001304481.2); c.131T>C, p.Leu44Ser (NM_001304483.2); c.-177T>C (NM_001304484.2); c.596T>C, p.Leu199Ser (NM_001330373.2, NM_001330374.2, NM_001384130.1); c.323T>C, p.Leu108Ser (NM_001370297.1); c.1286T>C, p.Leu429Ser (NM_001384126.1); c.875T>C, p.Leu292Ser (NM_001384127.1, NM_001384128.1, NM_001385118.1 and 1 more transcripts); short protein forms L44S, L108S, L199S, L429S, L292S, L377S.
Identifiers: ClinVar variation 1447610 (VCV001447610.6), dbSNP rs2136658634, ClinGen allele CA384358519.
Genomic context (GRCh38, chr12:32,602,199, plus strand): 5'-TGTTTTTCTATATTTGATACAGGGAAACTACTCCTAGAATTGGAGACATCCTTCAGAAAT[T>C]GGCACCATTCCTTAAGATGTATGGAGAATATGTGAAAGGATTTGATAATGCAATGGAATT-3'
Protein context (NP_001357227.2, residues 419-439): TPRIGDILQK[Leu429Ser]APFLKMYGEY

ClinVar aggregate classification (germline): Uncertain significance (1 of 4 stars; one submission).

Conditions:
Charcot-Marie-Tooth disease type 4. Also called: Charcot-Marie-Tooth disease, type IV; Charcot-Marie-Tooth, Type 4. Identifiers: Orphanet 64749, MedGen C4082197, MONDO:0018995.

Submission:

Labcorp Genetics (formerly Invitae), Labcorp
Classification: Uncertain significance for Charcot-Marie-Tooth disease type 4. Last evaluated: 2021-10-28. Review status: criteria provided, single submitter. Criteria: Invitae Variant Classification Sherloc (09022015). Collection method: clinical testing. Allele origin: germline.
Comment: In summary, the available evidence is currently insufficient to determine the role of this variant in disease. Therefore, it has been classified as a Variant of Uncertain Significance. Algorithms developed to predict the effect of missense changes on protein structure and function (SIFT, PolyPhen-2, Align-GVGD) all suggest that this variant is likely to be disruptive. This variant has not been reported in the literature in individuals affected with FGD4-related conditions. This variant is not present in population databases (gnomAD no frequency). This sequence change replaces leucine, which is neutral and non-polar, with serine, which is neutral and polar, at codon 292 of the FGD4 protein (p.Leu292Ser).